The following is an entry in ClinVar:

ClinVar aggregate classification (germline): Likely pathogenic (1 of 4 stars; one submission).

Conditions:
Autosomal recessive osteopetrosis 1. Also called: ALBERS-SCHONBERG DISEASE, AUTOSOMAL RECESSIVE; TCIRG1-Related Osteopetrosis; TCIRG1-Related Autosomal Recessive Osteopetrosis. Identifiers: Orphanet 667, MedGen C1850127, MONDO:0009815, OMIM 259700.

Submission:

3billion
Classification: Likely pathogenic for Autosomal recessive osteopetrosis 1. Last evaluated: 2022-09-01. Review status: criteria provided, single submitter. Criteria: ACMG Guidelines, 2015. Collection method: clinical testing. Allele origin: germline. Affected: yes. Observed: 1 heterozygote.
Comment: The variant is not observed in the gnomAD v2.1.1 dataset. Frameshift variant is predicted to result in a loss or disruption of normal protein function through nonsense-mediated decay (NMD) or protein truncation. Multiple pathogenic variants are reported downstream of the variant. Therefore, this variant is classified as Likely pathogenic according to the recommendation of ACMG/AMP guideline.

NM_006019.4(TCIRG1):c.1211del (p.Phe404fs)

Gene: TCIRG1 (T cell immune regulator 1, ATPase H+ transporting V0 subunit a3; plus strand). Cytogenetic location: 11q13.2.
Variant type: Deletion.
Coding change: c.1211del on transcript NM_006019.4 (MANE Select); coding-DNA position 1211, one base deleted (T; older notation c.1211delT).
Protein change: p.Phe404fs; shifts the reading frame from phenylalanine 404.
Molecular consequence: frameshift variant.
Genome position (GRCh38, 1-based): chr11:68,047,478, T deleted; the last of 2 consecutive T bases (chr11:68,047,477-68,047,478); deleting either gives the same sequence. VCF-style (leftmost placement, unchanged base first): chr11-68047476-GT-G. GRCh37 (hg19) VCF-style: chr11-67814943-GT-G.
Other names: c.317del, p.Phe106fs (NM_001351059.2); c.563del, p.Phe188fs (NM_006053.4); short protein forms F106fs, F188fs, F404fs.
Identifiers: ClinVar variation 1705340 (VCV001705340.1), dbSNP rs2495644292, ClinGen allele CA2580084799.